The following is an entry in ClinVar:

ClinVar aggregate classification (germline): Uncertain significance (1 of 4 stars; one submission).

Conditions:
Myoclonic dystonia 26. Identifiers: MedGen C4225341, MONDO:0014620, OMIM 616398.

Submission:

Labcorp Genetics (formerly Invitae), Labcorp
Classification: Uncertain significance for Myoclonic dystonia 26. Last evaluated: 2018-12-12. Review status: criteria provided, single submitter. Criteria: Invitae Variant Classification Sherloc (09022015). Collection method: clinical testing. Allele origin: germline.
Comment: This sequence change replaces glutamine with lysine at codon 184 of the KCTD17 protein (p.Gln184Lys). The glutamine residue is highly conserved and there is a small physicochemical difference between glutamine and lysine. This variant is not present in population databases (ExAC no frequency). This variant has not been reported in the literature in individuals with KCTD17-related conditions. Algorithms developed to predict the effect of missense changes on protein structure and function (SIFT, PolyPhen-2, Align-GVGD) all suggest that this variant is likely to be disruptive, but these predictions have not been confirmed by published functional studies and their clinical significance is uncertain. In summary, the available evidence is currently insufficient to determine the role of this variant in disease. Therefore, it has been classified as a Variant of Uncertain Significance.

NM_001282684.2(KCTD17):c.529C>A (p.Gln177Lys)

Gene: KCTD17 (potassium channel tetramerization domain containing 17; plus strand). Cytogenetic location: 22q12.3.
Variant type: single nucleotide variant.
Coding change: c.529C>A on transcript NM_001282684.2 (MANE Select); coding-DNA position 529, C replaced by A.
Protein change: p.Gln177Lys; replaces glutamine 177 with lysine.
Molecular consequence: missense variant.
Genome position (GRCh38, 1-based): chr22:37,059,355, C>A. VCF-style: chr22-37059355-C-A. GRCh37 (hg19) VCF-style: chr22-37455395-C-A.
Other names: c.529C>A, p.Gln177Lys (NM_001282685.2, NM_001282686.2, NM_024681.4); short protein forms Q184K, Q177K.
Identifiers: ClinVar variation 645834 (VCV000645834.8), dbSNP rs1601495318, ClinGen allele CA411414709.